The following is an entry in ClinVar:

ClinVar aggregate classification (germline): Benign. Review status: criteria provided, single submitter (1 of 4 stars). 2 submissions from 2 submitters: Benign (1). 1 of the submissions does not count toward it. Last evaluated 2026-01-22.

Conditions:
LZTS1-related disorder. Also called: LZTS1-related condition.

Allele frequency attached by ClinVar (database versions not stated): 1000 Genomes Project 0.00100; 1000 Genomes Project 30x 0.00141; ESP Exome Variant Server 0.00169.
gnomAD v4.1: 384 of 1,611,296 alleles (0.024%); highest among the groups gnomAD compares: African/African-American, 0.47%; 3 homozygotes.

Submissions (2):

Labcorp Genetics (formerly Invitae), Labcorp
Classification: Benign. Last evaluated: 2026-01-22. Review status: criteria provided, single submitter. Criteria: Invitae Variant Classification Sherloc (09022015). Collection method: clinical testing. Allele origin: germline.

PreventionGenetics, part of Exact Sciences
Classification: Likely benign for LZTS1-related condition. Last evaluated: 2019-08-13. Review status: no assertion criteria provided. Collection method: clinical testing. Allele origin: germline. Not counted in ClinVar's aggregate classification.
Comment: This variant is classified as likely benign based on ACMG/AMP sequence variant interpretation guidelines (Richards et al. 2015 PMID: 25741868, with internal and published modifications).

NM_021020.5(LZTS1):c.1331G>C (p.Gly444Ala)

Gene: LZTS1 (leucine zipper tumor suppressor 1; minus strand). Cytogenetic location: 8p21.3.
Variant type: single nucleotide variant.
Coding change: c.1331G>C on transcript NM_021020.5 (MANE Select); coding-DNA position 1331, G replaced by C.
Protein change: p.Gly444Ala; replaces glycine 444 with alanine.
Molecular consequence: missense variant.
Genome position (GRCh38, 1-based): chr8:20,250,182, C>G on the plus strand (G>C on the coding strand, the complement: LZTS1 is on the minus strand). VCF-style: chr8-20250182-C-G. GRCh37 (hg19) VCF-style: chr8-20107693-C-G.
Other names: c.1331G>C, p.Gly444Ala (NM_001362884.2); c.1331G>C (NM_021020.3); short protein forms G444A.
Identifiers: ClinVar variation 1601449 (VCV001601449.10), dbSNP rs148039718, ClinGen allele CA4657299.